The following is an entry in ClinVar:

ClinVar aggregate classification (germline): Uncertain significance (1 of 4 stars; one submission).

Allele frequency attached by ClinVar (database versions not stated): gnomAD exomes below 0.00001.
gnomAD v4.1: 1 of 1,613,838 alleles (0.000062%); highest among the groups gnomAD compares: Admixed American, 0.0017%; no homozygotes.

Submission:

Labcorp Genetics (formerly Invitae), Labcorp
Classification: Uncertain significance. Last evaluated: 2021-03-29. Review status: criteria provided, single submitter. Criteria: Invitae Variant Classification Sherloc (09022015). Collection method: clinical testing. Allele origin: germline.
Comment: In summary, the available evidence is currently insufficient to determine the role of this variant in disease. Therefore, it has been classified as a Variant of Uncertain Significance. Algorithms developed to predict the effect of missense changes on protein structure and function (SIFT, PolyPhen-2, Align-GVGD) all suggest that this variant is likely to be disruptive, but these predictions have not been confirmed by published functional studies and their clinical significance is uncertain. This variant has not been reported in the literature in individuals with POLE-related conditions. This variant is not present in population databases (ExAC no frequency). This sequence change replaces aspartic acid with glutamic acid at codon 291 of the POLE protein (p.Asp291Glu). The aspartic acid residue is highly conserved and there is a small physicochemical difference between aspartic acid and glutamic acid.

NM_006231.4(POLE):c.873C>G (p.Asp291Glu)

Gene: POLE (DNA polymerase epsilon, catalytic subunit; minus strand). Cytogenetic location: 12q24.33.
Variant type: single nucleotide variant.
Coding change: c.873C>G on transcript NM_006231.4 (MANE Select); coding-DNA position 873, C replaced by G.
Protein change: p.Asp291Glu; replaces aspartic acid 291 with glutamic acid.
Molecular consequence: missense variant.
Genome position (GRCh38, 1-based): chr12:132,676,582, G>C on the plus strand (C>G on the coding strand, the complement: POLE is on the minus strand). VCF-style: chr12-132676582-G-C. GRCh37 (hg19) VCF-style: chr12-133253168-G-C.
Other names: short protein forms D291E.
Identifiers: ClinVar variation 1441048 (VCV001441048.8), dbSNP rs2136015722, ClinGen allele CA387364242.